The following is an entry in ClinVar:

NM_017849.4(TMEM127):c.451T>A (p.Ser151Thr)

Gene: TMEM127 (transmembrane protein 127; minus strand). Cytogenetic location: 2q11.2.
Variant type: single nucleotide variant.
Coding change: c.451T>A on transcript NM_017849.4 (MANE Select); coding-DNA position 451, T replaced by A.
Protein change: p.Ser151Thr; replaces serine 151 with threonine.
Molecular consequence: missense variant.
Genome position (GRCh38, 1-based): chr2:96,254,074, A>T on the plus strand (T>A on the coding strand, the complement: TMEM127 is on the minus strand). VCF-style: chr2-96254074-A-T. GRCh37 (hg19) VCF-style: chr2-96919812-A-T.
Other names: c.451T>A, p.Ser151Thr (NM_001193304.3); c.199T>A, p.Ser67Thr (NM_001407282.1, NM_001407283.1); short protein forms S151T, S67T.
Identifiers: ClinVar variation 3807736 (VCV003807736.1).

ClinVar aggregate classification (germline): Uncertain significance (1 of 4 stars; one submission).

Conditions:
Hereditary cancer-predisposing syndrome. Also called: Neoplastic Syndromes, Hereditary; Hereditary Cancer Syndrome; Tumor predisposition; Hereditary neoplastic syndrome. Identifiers: Orphanet 140162, MedGen C0027672, MeSH D009386, MONDO:0015356.

Submission:

Ambry Genetics
Classification: Uncertain significance for Hereditary cancer-predisposing syndrome. Last evaluated: 2025-02-08. Review status: criteria provided, single submitter. Criteria: Ambry Variant Classification Scheme 2023. Collection method: clinical testing. Allele origin: germline.
Comment: The p.S151T variant (also known as c.451T>A), located in coding exon 3 of the TMEM127 gene, results from a T to A substitution at nucleotide position 451. The serine at codon 151 is replaced by threonine, an amino acid with similar properties. This amino acid position is conserved. In addition, this alteration is predicted to be deleterious by in silico analysis. Based on the available evidence, the clinical significance of this variant remains unclear.